The following is an entry in ClinVar:

NM_003242.6(TGFBR2):c.1135_1140del (p.Asp379_Leu380del)

Gene: TGFBR2 (transforming growth factor beta receptor 2; plus strand). Cytogenetic location: 3p24.1.
Variant type: Deletion.
Coding change: c.1135_1140del on transcript NM_003242.6 (MANE Select); coding-DNA positions 1135 to 1140, 6 bases deleted (GACCTC; older notation c.1135_1140delGACCTC).
Protein change: p.Asp379_Leu380del.
Molecular consequence: inframe deletion. On other transcripts: inframe indel (13).
Genome position (GRCh38, 1-based): chr3:30,672,318-30,672,323, GACCTC deleted. VCF-style (leftmost placement, unchanged base first): chr3-30672317-GGACCTC-G. GRCh37 (hg19) VCF-style: chr3-30713809-GGACCTC-G.
Other names: c.1210_1215delGACCTC, p.Asp404_Leu405del (NM_001024847.3); c.1318_1323delGACCTC, p.Asp440_Leu441del (NM_001407126.1); c.1243_1248delGACCTC, p.Asp415_Leu416del (NM_001407127.1); c.1162_1167delGACCTC, p.Asp388_Leu389del (NM_001407128.1); c.1138_1143delGACCTC, p.Asp380_Leu381del (NM_001407129.1); c.1135_1140delGACCTC, p.Asp379_Leu380del (NM_001407130.1); c.1030_1035delGACCTC, p.Asp344_Leu345del (NM_001407132.1, NM_001407133.1, NM_001407134.1 and 2 more transcripts); c.850_855delGACCTC, p.Asp284_Leu285del (NM_001407137.1); and 1 more.
Identifiers: ClinVar variation 477534 (VCV000477534.6), dbSNP rs1553630282, ClinGen allele CA658657280.

ClinVar aggregate classification (germline): Uncertain significance (1 of 4 stars; one submission).

Conditions:
Familial thoracic aortic aneurysm and aortic dissection (TAAD). Also called: Thoracic aortic aneurysms and dissections. Identifiers: Orphanet 91387, MedGen C4707243, MONDO:0019625.

Submission:

Labcorp Genetics (formerly Invitae), Labcorp
Classification: Uncertain significance for Familial thoracic aortic aneurysm and aortic dissection. Last evaluated: 2017-01-23. Review status: criteria provided, single submitter. Criteria: Invitae Variant Classification Sherloc (09022015). Collection method: clinical testing. Allele origin: germline.
Comment: In summary, this variant is a novel in-frame deletion with an uncertain impact on protein function. It has been classified as a Variant of Uncertain Significance. Experimental studies and prediction algorithms are not available for this variant, and the functional significance of the deleted amino acids is currently unknown. This variant is not present in population databases (ExAC no frequency) and has not been reported in the literature in individuals with a TGFBR2-related disease. This sequence change deletes 6 nucleotides from exon 4 of the TGFBR2 mRNA (c.1135_1140delGACCTC). This leads to the deletion of 2 amino acid residues in the TGFBR2 protein (p.Asp379_Leu380del) but otherwise preserves the integrity of the reading frame.